The following is an entry in ClinVar:

ClinVar aggregate classification (germline): Likely pathogenic (1 of 4 stars; one submission).

Conditions:
Dilated cardiomyopathy 1G (CMD1G). Identifiers: Orphanet 154, MedGen C1858763, MONDO:0011400, OMIM 604145.
Autosomal recessive limb-girdle muscular dystrophy type 2J (LGMDR10). Also called: Limb-girdle muscular dystrophy, type 2J; MUSCULAR DYSTROPHY, LIMB-GIRDLE, AUTOSOMAL RECESSIVE 10. Identifiers: Orphanet 140922, MedGen C1837342, MONDO:0012127, OMIM 608807.

Submission:

Labcorp Genetics (formerly Invitae), Labcorp
Classification: Likely pathogenic for Dilated cardiomyopathy 1G; Autosomal recessive limb-girdle muscular dystrophy type 2J. Last evaluated: 2024-10-18. Review status: criteria provided, single submitter. Criteria: Invitae Variant Classification Sherloc (09022015). Collection method: clinical testing. Allele origin: germline.
Comment: This sequence change creates a premature translational stop signal (p.Tyr6527*) in the TTN gene. While this is not anticipated to result in nonsense mediated decay, it is expected to create a truncated TTN protein. This variant is not present in population databases (gnomAD no frequency). This variant has not been reported in the literature in individuals affected with TTN-related conditions. ClinVar contains an entry for this variant (Variation ID: 1015604). Algorithms developed to predict the effect of sequence changes on RNA splicing suggest that this variant may disrupt the consensus splice site. This variant is located in the I band of TTN (PMID: 25589632). Truncating variants in this region have been reported in individuals affected with autosomal recessive centronuclear myopathy (PMID: 23975875, internal data). Truncating variants in this region have also been identified in individuals affected with autosomal dominant dilated cardiomyopathy and/or cardio-related conditions (PMID: 27869827, 32964742, internal data). In summary, the currently available evidence indicates that the variant is pathogenic, but additional data are needed to prove that conclusively. Therefore, this variant has been classified as Likely Pathogenic.

Literature cited by the submitters: PubMed 25589632; PubMed 23975875; PubMed 27869827; PubMed 32964742.

NM_001267550.2(TTN):c.19581C>A (p.Tyr6527Ter)

Gene: TTN (titin; minus strand). Cytogenetic location: 2q31.2.
Variant type: single nucleotide variant.
Coding change: c.19581C>A on transcript NM_001267550.2 (MANE Select); coding-DNA position 19581, C replaced by A.
Protein change: p.Tyr6527Ter; replaces tyrosine 6527 with a stop codon.
Molecular consequence: nonsense. On other transcripts: intron variant (3).
Genome position (GRCh38, 1-based): chr2:178,728,243, G>T on the plus strand (C>A on the coding strand, the complement: TTN is on the minus strand). VCF-style: chr2-178728243-G-T. GRCh37 (hg19) VCF-style: chr2-179592970-G-T.
Other names: c.18630C>A, p.Tyr6210Ter (NM_001256850.1); c.15849C>A, p.Tyr5283Ter (NM_133378.4); c.13282+9839C>A (NM_003319.4); c.13858+9839C>A (NM_133437.4); c.13657+9839C>A (NM_133432.3); short protein forms Y5283*, Y6210*, Y6527*.
Identifiers: ClinVar variation 1015604 (VCV001015604.9), dbSNP rs746828415, ClinGen allele CA349552783.